The following is an entry in ClinVar:

ClinVar aggregate classification (germline): Uncertain significance. Review status: criteria provided, multiple submitters, no conflicts (2 of 4 stars). 2 submissions from 2 submitters: Uncertain significance (2). Last evaluated 2026-03-23.

Conditions:
Cardiovascular phenotype. Identifiers: MedGen CN230736.
DK1-congenital disorder of glycosylation. Also called: CONGENITAL DISORDER OF GLYCOSYLATION, TYPE Im; CDG Im; DK1-CDG; DK1 DEFICIENCY; DOLICHOL KINASE DEFICIENCY; DOLK-congenital disorder of glycosylation. Identifiers: Orphanet 91131, MedGen C1835849, MONDO:0012556, OMIM 610768.

Allele frequency attached by ClinVar (database versions not stated): gnomAD exomes below 0.00001.

Submissions (2):

Ambry Genetics
Classification: Uncertain significance for Cardiovascular phenotype. Last evaluated: 2026-03-23. Review status: criteria provided, single submitter. Criteria: Ambry Variant Classification Scheme 2023. Collection method: clinical testing. Allele origin: germline.
Comment: The p.E326V variant (also known as c.977A>T), located in coding exon 1 of the DOLK gene, results from an A to T substitution at nucleotide position 977. The glutamic acid at codon 326 is replaced by valine, an amino acid with dissimilar properties. This amino acid position is conserved. In addition, the in silico prediction for this alteration is inconclusive. Based on the available evidence, the clinical significance of this variant remains unclear.

Labcorp Genetics (formerly Invitae), Labcorp
Classification: Uncertain significance for DK1-congenital disorder of glycosylation. Last evaluated: 2022-04-24. Review status: criteria provided, single submitter. Criteria: Invitae Variant Classification Sherloc (09022015). Collection method: clinical testing. Allele origin: germline.
Comment: This sequence change replaces glutamic acid, which is acidic and polar, with valine, which is neutral and non-polar, at codon 326 of the DOLK protein (p.Glu326Val). This variant is not present in population databases (gnomAD no frequency). This variant has not been reported in the literature in individuals affected with DOLK-related conditions. ClinVar contains an entry for this variant (Variation ID: 1022234). Algorithms developed to predict the effect of missense changes on protein structure and function (SIFT, PolyPhen-2, Align-GVGD) all suggest that this variant is likely to be tolerated. In summary, the available evidence is currently insufficient to determine the role of this variant in disease. Therefore, it has been classified as a Variant of Uncertain Significance.

NM_014908.4(DOLK):c.977A>T (p.Glu326Val)

Gene: DOLK (dolichol kinase; minus strand). Cytogenetic location: 9q34.11.
Variant type: single nucleotide variant.
Coding change: c.977A>T on transcript NM_014908.4 (MANE Select); coding-DNA position 977, A replaced by T.
Protein change: p.Glu326Val; replaces glutamic acid 326 with valine.
Molecular consequence: missense variant.
Genome position (GRCh38, 1-based): chr9:128,946,327, T>A on the plus strand (A>T on the coding strand, the complement: DOLK is on the minus strand). VCF-style: chr9-128946327-T-A. GRCh37 (hg19) VCF-style: chr9-131708606-T-A.
Other names: c.977A>T (NM_014908.3); short protein forms E326V.
Identifiers: ClinVar variation 1022234 (VCV001022234.9), dbSNP rs1841666209, ClinGen allele CA375121173.
Genomic context (GRCh38, chr9:128,946,327, plus strand): 5'-GCTACCACAATGAGGTGGAAATACTTTCGGGCGATGGTGGGGGCCTGGTGCTTCTTGGAC[T>A]CGGAAGATGACCGCTTGGCATTCTGGTACAGCACCACCAGGCAGGCCAAGGTGGCCAGCA-3'
Protein context (NP_055723.1, residues 316-336): LYQNAKRSSS[Glu326Val]SKKHQAPTIA